The following is an entry in ClinVar:

ClinVar aggregate classification (germline): Uncertain significance. Review status: criteria provided, single submitter (1 of 4 stars). 3 submissions from 2 submitters: Uncertain significance (1). 2 of the submissions do not count toward it. Last evaluated 2021-10-08.

Conditions:
KDM5A-associated neurodevelopmental syndrome.
El Hayek-Chahrour neurodevelopmental disorder. Also called: EL HAYEK-CHAHROUR NEURODEVELOPMENTAL SYNDROME; NEURODEVELOPMENTAL DISORDER WITH ABSENT SPEECH, IMPAIRED INTELLECTUAL DEVELOPMENT, AND AUTISM. Identifiers: MedGen C5935620, MONDO:0970951, OMIM 620820.

Allele frequency attached by ClinVar (database versions not stated): ExAC 0.00001; gnomAD exomes below 0.00001.

Submissions (3):

New York Genome Center
Classification: Uncertain significance for KDM5A-associated neurodevelopmental syndrome. Last evaluated: 2021-10-08. Review status: criteria provided, single submitter. Criteria: NYGC Assertion Criteria 2020. Collection method: clinical testing. Allele origin: inherited. Observed: 1 heterozygote. Study: CSER-NYCKidSeq.
Comment: The inherited c.1726C>T p.(Gln576Ter) variant in KDM5A has not previously been reported in the literature or public variant repositories (ClinVar and LOVD). This variant is observed in one individual across population databases (gnomAD v2.1.1 and v3.1.1, TOPMed Freeze 8), suggesting it is not a common benign variant in the populations represented in those databases. The c.1726C>T variant is located in exon 13 of this 28-exon gene, predicted to incorporate a premature termination codon, and is expected to result in loss-of-function via nonsense mediated decay. Based on available evidence, the inherited c.1726C>T p.(Gln576Ter) variant in KDM5A is classified as a Variant of Uncertain Significance in a Gene of Uncertain Significance.

Clinical Genetics Laboratory, University Hospital Schleswig-Holstein
Classification: Likely pathogenic for KDM5A-associated neurodevelopmental syndrome. Last evaluated: 2023-12-08. Review status: no assertion criteria provided. Collection method: clinical testing. Allele origin: de novo. Inheritance: Sporadic. Affected: yes. Observed: 1 variant allele, 1 heterozygote. Not counted in ClinVar's aggregate classification.

Clinical Genetics Laboratory, University Hospital Schleswig-Holstein
Classification: Likely pathogenic for El Hayek-Chahrour neurodevelopmental disorder. Last evaluated: 2023-12-08. Review status: no assertion criteria provided. Collection method: clinical testing. Allele origin: de novo. Affected: yes. Not counted in ClinVar's aggregate classification.

NM_001042603.3(KDM5A):c.1726C>T (p.Gln576Ter)

Gene: KDM5A (lysine demethylase 5A; minus strand). Cytogenetic location: 12p13.33.
Variant type: single nucleotide variant.
Coding change: c.1726C>T on transcript NM_001042603.3 (MANE Select); coding-DNA position 1726, C replaced by T.
Protein change: p.Gln576Ter; replaces glutamine 576 with a stop codon.
Molecular consequence: nonsense.
Genome position (GRCh38, 1-based): chr12:331,866, G>A on the plus strand (C>T on the coding strand, the complement: KDM5A is on the minus strand). VCF-style: chr12-331866-G-A. GRCh37 (hg19) VCF-style: chr12-441032-G-A.
Other names: short protein forms Q576*.
Identifiers: ClinVar variation 1701668 (VCV001701668.4), dbSNP rs773333271, ClinGen allele CA6379258.